The following is an entry in ClinVar:

NM_001875.5(CPS1):c.2276C>A (p.Ser759Ter)

Gene: CPS1 (carbamoyl-phosphate synthase 1; plus strand). Cytogenetic location: 2q34.
Variant type: single nucleotide variant.
Coding change: c.2276C>A on transcript NM_001875.5 (MANE Select); coding-DNA position 2276, C replaced by A.
Protein change: p.Ser759Ter; replaces serine 759 with a stop codon.
Molecular consequence: nonsense. On other transcripts: non-coding transcript variant (2).
Genome position (GRCh38, 1-based): chr2:210,608,444, C>A. VCF-style: chr2-210608444-C-A. GRCh37 (hg19) VCF-style: chr2-211473168-C-A.
Other names: c.2276C>A, p.Ser759Ter (NM_001122633.3, NM_001369257.1); c.2309C>A, p.Ser770Ter (NM_001369256.1); short protein forms S759*, S770*.
Identifiers: ClinVar variation 5012628 (VCV005012628.1).
Genomic context (GRCh38, chr2:210,608,444, plus strand): 5'-CAAAGATTGCCCTAGGAATCCCACTTCCAGAAATTAAGAACGTCGTATCCGGGAAGACAT[C>A]AGCCTGTTTTGAACCTAGCCTGGATTACATGGTCACCAAGATTCCCCGCTGGGATCTTGA-3'

ClinVar aggregate classification (germline): Pathogenic (1 of 4 stars; one submission).

Conditions:
Congenital hyperammonemia, type I. Also called: CPS I DEFICIENCY; Carbamoyl phosphate synthetase 1 deficiency; Hyperammonemia due to carbamoyl phosphate synthetase 1 deficiency; CPS 1 deficiency; Carbamyl phosphate synthetase (CPS) deficiency; Carbamoyl phosphate synthetase I deficiency disease. Identifiers: Orphanet 147, MedGen C4082171, MONDO:0009376, OMIM 237300.

Submission:

Myriad Genetics, Inc.
Classification: Pathogenic for Congenital hyperammonemia, type I. Last evaluated: 2024-01-05. Review status: criteria provided, single submitter. Criteria: Myriad Autosomal Dominant, Autosomal Recessive and X-Linked Classification Criteria (2023). Collection method: clinical testing. Allele origin: unknown.
Comment: NM_001875.4(CPS1):c.2276C>A(S759*) is expected to be pathogenic in the context of carbamoylphosphate synthetase I deficiency. This variant is predicted to lead to an abnormal or absent protein product due to the creation of a premature termination codon in CPS1, a gene where loss-of-function variants are known to be pathogenic. Please note: this variant was assessed in the context of healthy population screening.